The following is an entry in ClinVar:

NM_001330078.2(NRXN1):c.3074A>C (p.Asp1025Ala)

Gene: NRXN1 (neurexin 1; minus strand). Cytogenetic location: 2p16.3.
Variant type: single nucleotide variant.
Coding change: c.3074A>C on transcript NM_001330078.2 (MANE Select); coding-DNA position 3074, A replaced by C.
Protein change: p.Asp1025Ala; replaces aspartic acid 1025 with alanine.
Molecular consequence: missense variant.
Genome position (GRCh38, 1-based): chr2:50,472,468, T>G on the plus strand (A>C on the coding strand, the complement: NRXN1 is on the minus strand). VCF-style: chr2-50472468-T-G. GRCh37 (hg19) VCF-style: chr2-50699606-T-G.
Other names: c.3194A>C, p.Asp1065Ala (NM_001135659.3); c.3050A>C, p.Asp1017Ala (NM_001330077.2, NM_001330082.2); c.3008A>C, p.Asp1003Ala (NM_001330083.2, NM_001330084.2); c.3047A>C, p.Asp1016Ala (NM_001330085.2); c.3074A>C, p.Asp1025Ala (NM_001330086.2, NM_004801.6); c.2963A>C, p.Asp988Ala (NM_001330087.2, NM_001330096.2); c.2993A>C, p.Asp998Ala (NM_001330088.2); c.3071A>C, p.Asp1024Ala (NM_001330093.2); and 2 more; short protein forms D1003A, D1008A, D1016A, D1017A, D1021A, D1024A, D1025A, D1065A.
Identifiers: ClinVar variation 4086597 (VCV004086597.1).

ClinVar aggregate classification (germline): Uncertain significance (1 of 4 stars; one submission).

Submission:

GeneDx
Classification: Uncertain significance. Last evaluated: 2025-03-16. Review status: criteria provided, single submitter. Criteria: GeneDx Variant Classification Process June 2021. Collection method: clinical testing. Allele origin: germline. Affected: yes.
Comment: Not observed at significant frequency in large population cohorts (gnomAD); In silico analysis supports that this missense variant has a deleterious effect on protein structure/function; Missense variant in a gene in which most reported pathogenic variants are truncating/loss of function; Has not been previously published as pathogenic or benign to our knowledge